The following is an entry in ClinVar:

NM_000153.4(GALC):c.992_993insCT (p.Trp331fs)

Gene: GALC (galactosylceramidase; minus strand). Cytogenetic location: 14q31.3.
Variant type: Insertion.
Coding change: c.992_993insCT on transcript NM_000153.4 (MANE Select); coding-DNA positions 992 to 993, CT inserted.
Protein change: p.Trp331fs; shifts the reading frame from tryptophan 331.
Molecular consequence: frameshift variant.
Genome position: GRCh38 VCF-style: chr14-87965545-C-CAG. GRCh37 (hg19) VCF-style: chr14-88431889-C-CAG.
Other names: c.923_924insCT, p.Trp308fs (NM_001201401.2); c.914_915insCT, p.Trp305fs (NM_001201402.2); short protein forms W305fs, W308fs, W331fs.
Identifiers: ClinVar variation 1724903 (VCV001724903.2), dbSNP rs2503439925, ClinGen allele CA2580088866.
Genomic context (GRCh38, chr14:87,965,545, plus strand): 5'-GAGATGGAACTGAACCATACCTGATACCCAGACAGGAGATTCTACCACGTAGTGCCCACT[C>CAG]CATGGCTCCTGGGCCGTCATCAACCCGCATCTCCCATAAGGCAACTGTTCATAGTAACTA-3'

ClinVar aggregate classification (germline): Likely pathogenic (1 of 4 stars; one submission).

Conditions:
Galactosylceramide beta-galactosidase deficiency. Also called: GALACTOCEREBROSIDASE DEFICIENCY; GALC DEFICIENCY; GLOBOID CELL LEUKOENCEPHALOPATHY; Leukodystrophy, Globoid Cell; Krabbe Disease. Identifiers: Orphanet 487, MedGen C0023521, MONDO:0009499, OMIM 245200.

Submission:

Myriad Genetics, Inc.
Classification: Likely pathogenic for Galactosylceramide beta-galactosidase deficiency. Last evaluated: 2022-03-02. Review status: criteria provided, single submitter. Criteria: Myriad Women's Health Autosomal Recessive and X-Linked Classification Criteria (2021). Collection method: clinical testing. Allele origin: unknown.
Comment: NM_000153.3(GALC):c.992_993insCT(W331Cfs*2) is expected to be pathogenic in the context of Krabbe disease. This variant is predicted to lead to an abnormal or absent protein product due to the creation of a premature termination codon in GALC, a gene where loss-of-function variants are known to be pathogenic. Please note: this variant was assessed in the context of healthy population screening.